The following is an entry in ClinVar:

NM_005629.4(SLC6A8):c.1A>G (p.Met1Val)

Gene: SLC6A8 (solute carrier family 6 member 8; plus strand). Cytogenetic location: Xq28.
Variant type: single nucleotide variant.
Coding change: c.1A>G on transcript NM_005629.4 (MANE Select); coding-DNA position 1, A replaced by G.
Protein change: p.Met1Val; changes the start codon (methionine 1).
Molecular consequence: missense variant, initiator codon variant.
Genome position (GRCh38, 1-based): chrX:153,688,575, A>G. VCF-style: chrX-153688575-A-G. GRCh37 (hg19) VCF-style: chrX-152954030-A-G.
Other names: NM_001142805.2:c.1A>G; c.1A>G, p.Met1Val (NM_001142805.2); short protein forms M1V.
Identifiers: ClinVar variation 3066448 (VCV003066448.1), dbSNP rs1557043709, ClinGen allele CA415075833.

ClinVar aggregate classification (germline): Uncertain significance (3 of 4 stars; one submission).

Conditions:
Creatine transporter deficiency (CCDS1). Also called: Mental retardation , X-linked with seizures, short stature and midface hypoplasia; Mental retardation , X-linked, with creatine transport deficiency; X-linked creatine transporter deficiency; X-linked creatine deficiency syndrome; SLC6A8-Related Creatine Transporter Deficiency; CREATINE TRANSPORTER DEFECT. Identifiers: Orphanet 52503, MedGen C1845862, MONDO:0010305, OMIM 300352.

Submission:

ClinGen Cerebral Creatine Deficiency Syndromes Variant Curation Expert Panel, ClinGen
Classification: Uncertain significance for Creatine transporter deficiency. Last evaluated: 2023-03-23. Review status: reviewed by expert panel. Criteria: ClinGen_CCDS_ACMG_Specifications_SLC6A8_v1.1. Collection method: curation. Allele origin: germline. Inheritance: X-linked inheritance.
Comment: The NM_005629.4:c.1A>G p.(Met1Val) variant in SLC6A8 variant in SLC6A8 may cause a truncated or absent protein by altering the start codon of the coding sequence and is predicted to lead to the omission of a critical region of the protein (PVS1_Moderate). The variant was identified in a family with increased urinary creatine to creatinine ratio; additional details not provided (PMID: 23644449) (PP4). This variant is absent from gnomAD v2.1.1, therefore PM2_Supporting criteria is applicable. At the time of this curation, this variant has not been reported in individuals with suspected Creatine Transporter Deficiency in the literature. In summary, this variant meets the criteria to be classified as a Variant of Uncertain Significance for Creatine Transporter Deficiency based on the ACMG/AMP criteria applied, as specified by the ClinGen Cerebral Creatine Deficiency Syndromes Variant Curation Expert Panel (Specifications Version 1.0): PVS1_Moderate, PP4, PM2_Supporting. (Classification approved by the ClinGen Cerebral Creatine Deficiency Syndromes Variant Curation Expert Panel on March 23, 2023).